The following is an entry in ClinVar:

ClinVar aggregate classification (germline): Uncertain significance (1 of 4 stars; one submission).

gnomAD v4.1: 15 of 1,613,854 alleles (0.00093%); highest among the groups gnomAD compares: East Asian, 0.0022%; no homozygotes.

Submission:

Labcorp Genetics (formerly Invitae), Labcorp
Classification: Uncertain significance. Last evaluated: 2024-05-06. Review status: criteria provided, single submitter. Criteria: Invitae Variant Classification Sherloc (09022015). Collection method: clinical testing. Allele origin: germline.
Comment: This sequence change falls in intron 3 of the RPL31 gene. It does not directly change the encoded amino acid sequence of the RPL31 protein. It affects a nucleotide within the consensus splice site. This variant is present in population databases (no rsID available, gnomAD 0.005%). This variant has not been reported in the literature in individuals affected with RPL31-related conditions. Variants that disrupt the consensus splice site are a relatively common cause of aberrant splicing (PMID: 17576681, 9536098). Algorithms developed to predict the effect of sequence changes on RNA splicing suggest that this variant may create or strengthen a splice site. In summary, the available evidence is currently insufficient to determine the role of this variant in disease. Therefore, it has been classified as a Variant of Uncertain Significance.

Literature cited by the submitters: PubMed 17576681; PubMed 9536098.

NM_000993.5(RPL31):c.233+6A>G

Gene: RPL31 (ribosomal protein L31; plus strand). Cytogenetic location: 2q11.2.
Variant type: single nucleotide variant.
Coding change: c.233+6A>G on transcript NM_000993.5 (MANE Select); 6 bases into the intron after coding-DNA position 233, A replaced by G.
Molecular consequence: intron variant.
Genome position (GRCh38, 1-based): chr2:101,004,289, A>G. VCF-style: chr2-101004289-A-G. GRCh37 (hg19) VCF-style: chr2-101620751-A-G.
Other names: c.233+6A>G (NM_001098577.3, NM_001099693.2).
Identifiers: ClinVar variation 3675547 (VCV003675547.2).